The following is an entry in ClinVar:

ClinVar aggregate classification (germline): Pathogenic (1 of 4 stars; one submission).

Submission:

Labcorp Genetics (formerly Invitae), Labcorp
Classification: Pathogenic. Last evaluated: 2025-01-23. Review status: criteria provided, single submitter. Criteria: Invitae Variant Classification Sherloc (09022015). Collection method: clinical testing. Allele origin: germline.
Comment: This sequence change creates a premature translational stop signal (p.Phe362Leufs*14) in the ACAN gene. It is expected to result in an absent or disrupted protein product. Loss-of-function variants in ACAN are known to be pathogenic (PMID: 16080123, 24762113). This variant is not present in population databases (gnomAD no frequency). This variant has not been reported in the literature in individuals affected with ACAN-related conditions. For these reasons, this variant has been classified as Pathogenic.

Literature cited by the submitters: PubMed 16080123; PubMed 24762113.

NM_001369268.1(ACAN):c.1086del (p.Phe362fs)

Gene: ACAN (aggrecan; plus strand). Cytogenetic location: 15q26.1.
Variant type: Deletion.
Coding change: c.1086del on transcript NM_001369268.1 (MANE Select); coding-DNA position 1086, one base deleted (T; older notation c.1086delT).
Protein change: p.Phe362fs; shifts the reading frame from phenylalanine 362.
Molecular consequence: frameshift variant.
Genome position (GRCh38, 1-based): chr15:88,845,539, T deleted; the last of 3 consecutive T bases (chr15:88,845,537-88,845,539); deleting any one gives the same sequence. VCF-style (leftmost placement, unchanged base first): chr15-88845536-CT-C. GRCh37 (hg19) VCF-style: chr15-89388767-CT-C.
Other names: c.1086del, p.Phe362fs (NM_001135.4, NM_001411096.1, NM_001411097.1 and 1 more transcripts); short protein forms F362fs.
Identifiers: ClinVar variation 3729464 (VCV003729464.2).